The following is an entry in ClinVar:

ClinVar aggregate classification (germline): Uncertain significance (1 of 4 stars; one submission).

Allele frequency attached by ClinVar (database versions not stated): gnomAD 0.00001; TOPMed 0.00001.
gnomAD v4.1: 2 of 1,614,008 alleles (0.00012%); highest among the groups gnomAD compares: Non-Finnish European, 0.00017%; no homozygotes.

Submission:

Labcorp Genetics (formerly Invitae), Labcorp
Classification: Uncertain significance. Last evaluated: 2022-07-09. Review status: criteria provided, single submitter. Criteria: Invitae Variant Classification Sherloc (09022015). Collection method: clinical testing. Allele origin: germline.
Comment: Algorithms developed to predict the effect of missense changes on protein structure and function output the following: SIFT: "Tolerated"; PolyPhen-2: "Benign"; Align-GVGD: "Class C0". The serine amino acid residue is found in multiple mammalian species, which suggests that this missense change does not adversely affect protein function. In summary, the available evidence is currently insufficient to determine the role of this variant in disease. Therefore, it has been classified as a Variant of Uncertain Significance. Algorithms developed to predict the effect of sequence changes on RNA splicing suggest that this variant may disrupt the consensus splice site. This variant has not been reported in the literature in individuals affected with PLCE1-related conditions. This variant is not present in population databases (gnomAD no frequency). This sequence change replaces cysteine, which is neutral and slightly polar, with serine, which is neutral and polar, at codon 685 of the PLCE1 protein (p.Cys685Ser).

NM_016341.4(PLCE1):c.2054G>C (p.Cys685Ser)

Gene: PLCE1 (phospholipase C epsilon 1; plus strand). Cytogenetic location: 10q23.33.
Variant type: single nucleotide variant.
Coding change: c.2054G>C on transcript NM_016341.4 (MANE Select); coding-DNA position 2054, G replaced by C.
Protein change: p.Cys685Ser; replaces cysteine 685 with serine.
Molecular consequence: missense variant.
Genome position (GRCh38, 1-based): chr10:94,234,152, G>C. VCF-style: chr10-94234152-G-C. GRCh37 (hg19) VCF-style: chr10-95993909-G-C.
Other names: c.1130G>C, p.Cys377Ser (NM_001165979.2); c.2054G>C, p.Cys685Ser (NM_001288989.2); short protein forms C685S, C377S.
Identifiers: ClinVar variation 2015256 (VCV002015256.4), dbSNP rs1462050295, ClinGen allele CA377639025.
Genomic context (GRCh38, chr10:94,234,152, plus strand): 5'-AGTCTGATATTGAGACCATGAGGAGCCTGAAGGATGCTATGGCCCAGCATGAGTCCTCTT[G>C]TGAGTACAGAAAGGTGGTGACACGTGCCCTGCACATCCCTGGCTGTAAGGTGGTTCCATT-3'
Protein context (NP_057425.3, residues 675-695): KDAMAQHESS[Cys685Ser]EYRKVVTRAL